The following is an entry in ClinVar:

ClinVar aggregate classification (germline): Likely benign. Review status: criteria provided, multiple submitters, no conflicts (2 of 4 stars). 2 submissions from 2 submitters: Likely benign (2). Last evaluated 2018-01-13.

Conditions:
Neutral lipid storage myopathy (NLSDM). Also called: NEUTRAL LIPID STORAGE DISEASE WITHOUT ICHTHYOSIS. Identifiers: Orphanet 98908, MedGen C1853136, MONDO:0012545, OMIM 610717.

Allele frequency attached by ClinVar (database versions not stated): gnomAD 0.00225; 1000 Genomes Project 0.00280; TOPMed 0.00322; 1000 Genomes Project 30x 0.00375.
gnomAD v4.1: 1,153 of 555,286 alleles (0.21%); highest among the groups gnomAD compares: Middle Eastern, 1.7%; 5 homozygotes.

Submissions (2):

Illumina Laboratory Services, Illumina
Classification: Likely benign for Neutral lipid storage myopathy. Last evaluated: 2018-01-13. Review status: criteria provided, single submitter. Criteria: ICSL Variant Classification Criteria 13 December 2019. Collection method: clinical testing. Allele origin: germline.
Comment: This variant was observed in the ICSL laboratory as part of a predisposition screen in an ostensibly healthy population. It had not been previously curated by ICSL or reported in the Human Gene Mutation Database (HGMD: prior to June 1st, 2018), and was therefore a candidate for classification through an automated scoring system. Utilizing variant allele frequency, disease prevalence and penetrance estimates, and inheritance mode, an automated score was calculated to assess if this variant is too frequent to cause the disease. Based on the score and internal cut-off values, a variant classified as likely benign is not then subjected to further curation. The score for this variant resulted in a classification of likely benign for this disease.

Breakthrough Genomics
Classification: Likely benign. Review status: criteria provided, single submitter. Criteria: ACMG Guidelines, 2015. Collection method: not provided. Allele origin: germline. Inheritance: Autosomal recessive inheritance. Affected: yes.

NM_020376.4(PNPLA2):c.*288C>T

Gene: PNPLA2 (patatin like domain 2, triacylglycerol lipase; plus strand). Cytogenetic location: 11p15.5.
Variant type: single nucleotide variant.
Coding change: c.*288C>T on transcript NM_020376.4 (MANE Select); 288 bases downstream of the stop codon, C replaced by T.
Molecular consequence: 3 prime UTR variant.
Genome position (GRCh38, 1-based): chr11:825,150, C>T. VCF-style: chr11-825150-C-T. GRCh37 (hg19) VCF-style: chr11-825150-C-T.
Identifiers: ClinVar variation 306311 (VCV000306311.6), dbSNP rs117804986, ClinGen allele CA10640365.